The following is an entry in ClinVar:

NM_024642.5(GALNT12):c.728A>C (p.Gln243Pro)

Gene: GALNT12 (polypeptide N-acetylgalactosaminyltransferase 12; plus strand). Cytogenetic location: 9q22.33.
Variant type: single nucleotide variant.
Coding change: c.728A>C on transcript NM_024642.5 (MANE Select); coding-DNA position 728, A replaced by C.
Protein change: p.Gln243Pro; replaces glutamine 243 with proline.
Molecular consequence: missense variant.
Genome position (GRCh38, 1-based): chr9:98,826,938, A>C. VCF-style: chr9-98826938-A-C. GRCh37 (hg19) VCF-style: chr9-101589220-A-C.
Other names: short protein forms Q243P.
Identifiers: ClinVar variation 1758090 (VCV001758090.3), dbSNP rs2490502687, ClinGen allele CA374217859.

ClinVar aggregate classification (germline): Uncertain significance (1 of 4 stars; one submission).

Submission:

Ambry Genetics
Classification: Uncertain significance. Last evaluated: 2025-09-26. Review status: criteria provided, single submitter. Criteria: Ambry Variant Classification Scheme 2023. Collection method: clinical testing. Allele origin: germline.
Comment: The p.Q243P variant (also known as c.728A>C), located in coding exon 3 of the GALNT12 gene, results from an A to C substitution at nucleotide position 728. The glutamine at codon 243 is replaced by proline, an amino acid with similar properties. This amino acid position is poorly conserved in available vertebrate species. In addition, the in silico prediction for this alteration is inconclusive. Since supporting evidence is limited at this time, the clinical significance of this alteration remains unclear.